The following is an entry in ClinVar:

ClinVar aggregate classification (germline): Conflicting classifications of pathogenicity. Review status: criteria provided, conflicting classifications (1 of 4 stars). 8 submissions from 8 submitters: Uncertain significance (7); Likely benign (1). Last evaluated 2026-06-11.

Conditions:
Hereditary cancer-predisposing syndrome. Also called: Hereditary neoplastic syndrome; Neoplastic Syndromes, Hereditary; Tumor predisposition; Hereditary Cancer Syndrome. Identifiers: Orphanet 140162, MedGen C0027672, MeSH D009386, MONDO:0015356.
Chuvash polycythemia. Also called: POLYCYTHEMIA, VHL-DEPENDENT. Identifiers: Orphanet 238557, MedGen C1837915, MONDO:0009892, OMIM 263400.
Pheochromocytoma. Also called: MAX-Related Hereditary Paraganglioma-Pheochromocytoma Syndrome. Identifiers: Orphanet 29072, MedGen C0031511, MONDO:0008233, OMIM 171300, HP:0002666.
Nonpapillary renal cell carcinoma. Identifiers: Orphanet 422526, MedGen CN074294, MONDO:0007763, OMIM 144700.
Von Hippel-Lindau syndrome (VHLS). Also called: VHL syndrome; von Hippel–Lindau syndrome; Von Hippel-Lindau. Identifiers: Orphanet 892, MedGen C0019562, MONDO:0008667, OMIM 193300. Disease mechanism: loss of function.

Submissions (8):

Ambry Genetics
Classification: Likely benign for Hereditary cancer-predisposing syndrome. Last evaluated: 2026-06-11. Review status: criteria provided, single submitter. Criteria: Ambry Variant Classification Scheme 2023. Collection method: clinical testing. Allele origin: germline.

Mendelics
Classification: Uncertain significance for Chuvash polycythemia. Last evaluated: 2026-03-05. Review status: criteria provided, single submitter. Criteria: ACMG Guidelines, 2015. Collection method: clinical testing. Allele origin: unknown.
Comment: The available evidence is insufficient to conclusively determine the role of this variant. Therefore, it is classified as a Variant of Uncertain Significance.

Color Diagnostics, LLC DBA Color Health
Classification: Uncertain significance for Von Hippel-Lindau syndrome. Last evaluated: 2025-06-11. Review status: criteria provided, single submitter. Criteria: ACMG Guidelines, 2015. Collection method: clinical testing. Allele origin: germline.
Comment: This variant duplicates 14 nucleotides surrounding the translation initiation site in exon 1 of the VHL gene. This variant is expected to disruption protein translation of the reference VHL protein. However, VHL encodes a smaller protein isoform from internal translation initiation at methionine 54 (PMID: 9671762, 10102622). Functional studies have reported that the smaller protein isoform can rescue VHL functions in renal carcinoma cells lacking endogenous VHL expression (PMID: 9671762, 9751722, 10102622) and a mouse model for VHL start codon loss found that most VHL functions are intact (PMID: 23541568). To our knowledge, this variant has not been reported in individuals affected with VHL-related disorders in the literature. This variant has been identified in 3/136214 chromosomes in the general population by the Genome Aggregation Database (gnomAD). The available evidence is insufficient to determine the role of this variant in disease conclusively. Therefore, this variant is classified as a Variant of Uncertain Significance.

Hema, HEMA – Genetic and Molecular Diagnostic Laboratory
Classification: Uncertain significance for Von Hippel-Lindau syndrome. Last evaluated: 2024-12-16. Review status: criteria provided, single submitter. Criteria: HEMA Variant Classification Assertion Criteria. Collection method: clinical testing. Allele origin: germline.
Comment: It is a duplication of 14 nucleotides that includes the terminal portion of the 5' untranslated region and the initial nucleotides of the coding region. Although the duplication creates a new open reading frame (ORF) that is out of frame with the primary transcript, the VHL Gene Variant Curation Expert Panel states that the PVS1 criterion should not be applied to variants that cause a frameshift upstream of codon 54, due to the existence of an alternative translation initiation site. Additionally, the frequency of the variant in gnomAD is neither sufficiently low nor high to allow the application of frequency criteria.

Fulgent Genetics
Classification: Uncertain significance for Nonpapillary renal cell carcinoma; Pheochromocytoma; Von Hippel-Lindau syndrome; Chuvash polycythemia. Last evaluated: 2024-04-25. Review status: criteria provided, single submitter. Criteria: ACMG Guidelines, 2015. Collection method: clinical testing. Allele origin: germline.

Baylor Genetics
Classification: Uncertain significance for Chuvash polycythemia. Last evaluated: 2024-01-04. Review status: criteria provided, single submitter. Criteria: ACMG Guidelines, 2015. Collection method: clinical testing. Allele origin: unknown.

ARUP Laboratories, Molecular Genetics and Genomics, ARUP Laboratories
Classification: Uncertain significance. Last evaluated: 2021-10-26. Review status: criteria provided, single submitter. Criteria: ARUP Molecular Germline Variant Investigation Process 2021. Collection method: clinical testing. Allele origin: germline.
Comment: The VHL c.1-9_5dup variant (rs730882038), to our knowledge, is not reported in the medical literature but is reported in ClinVar (Variation ID: 182987). This variant is found in the general population with an overall allele frequency of 0.002% (3/136214 alleles) in the Genome Aggregation Database. This variant duplicates the last 9 nucleotides of the 5' untranslated region and the first 5 coding nucleotides creating a novel protein translation start codon that if utilized may cause a frameshift. However, given the lack of clinical and functional data, the significance of the c.1-9_5dup variant is uncertain at this time.

GeneDx
Classification: Uncertain significance for Neoplastic Syndromes, Hereditary. Last evaluated: 2014-05-13. Review status: criteria provided, single submitter. Criteria: GeneDx Variant Classification (06012015). Collection method: clinical testing. Allele origin: germline. Affected: yes.
Comment: This duplication of 14 nucleotides is denoted VHL c.5_6insGCGGAGGGAATGCC (aka c.-9_5dup14). It involves the last 9 nucleotides of the 5'UTR, just preceding the ATG translation start site, as well as the first 5 coding nucleotides. The normal sequence with the bases that are duplicated in brackets is GATC{GCGGAGGGAATGCC}CCGG. The duplication does not disrupt the Kozak sequence, the conserved nucleotides just upstream of the ATG start codon which play a major role in the initiation of translation. However, the addition of a second start codon - with the respective Kozak sequence intact - could disrupt proper protein translation. VHL c.-9_5dup14 was not observed in approximately 6,500 individuals of European and African American ancestry in the NHLBI Exome Variant Server, indicating it is not a common benign variant in these populations. This variant has not, to our knowledge, been published in the literature as a mutation or as a benign polymorphism. Based on the currently available information, we cannot assess whether VHL c.-9_5dup14 is a pathogenic mutation or a benign polymorphism. The variant is found in PANC-HEREDIC panel(s).

Literature cited by the submitters: PubMed 9671762 (cited by Color Diagnostics, LLC DBA Color Health); PubMed 9751722 (cited by Color Diagnostics, LLC DBA Color Health); PubMed 10102622 (cited by Color Diagnostics, LLC DBA Color Health); PubMed 23541568 (cited by Color Diagnostics, LLC DBA Color Health).

NM_000551.4(VHL):c.-9_5dup (p.Ala5fs)

Gene: VHL (von Hippel-Lindau tumor suppressor; plus strand). Cytogenetic location: 3p25.3.
Variant type: Duplication.
Coding change: c.-9_5dup on transcript NM_000551.4 (MANE Select); 9 bases upstream of the start codon through coding-DNA position 5, 14 bases duplicated (GCGGAGGGAATGCC).
Protein change: p.Ala5fs; shifts the reading frame from alanine 5.
Molecular consequence: frameshift variant, initiator codon variant.
Genome position (GRCh38, 1-based): chr3:10,141,839-10,141,852, GCGGAGGGAATGCC duplicated; duplicating any 14 consecutive bases within chr3:10,141,838-10,141,852 gives the same sequence; the c. name uses the placement nearest the transcript's 3' end. VCF-style (leftmost placement, unchanged base first): chr3-10141837-T-TCGCGGAGGGAATGC. GRCh37 (hg19) VCF-style: chr3-10183521-T-TCGCGGAGGGAATGC.
Other names: c.5_6insGCGGAGGGAATGCC (NM_000551.3); c.-9_5dup, p.Ala5fs (NM_001354723.2, NM_198156.3); c.-9_5dup (NM_000551.3); short protein forms A5fs.
Identifiers: ClinVar variation 182987 (VCV000182987.18), dbSNP rs730882038, ClinGen allele CA020491.